The following is an entry in ClinVar:

NM_001375524.1(TRRAP):c.4788G>A (p.Met1596Ile)

Gene: TRRAP (transformation/transcription domain associated protein; plus strand). Cytogenetic location: 7q22.1.
Variant type: single nucleotide variant.
Coding change: c.4788G>A on transcript NM_001375524.1 (MANE Select); coding-DNA position 4788, G replaced by A.
Protein change: p.Met1596Ile; replaces methionine 1596 with isoleucine.
Molecular consequence: missense variant.
Genome position (GRCh38, 1-based): chr7:98,948,685, G>A. VCF-style: chr7-98948685-G-A. GRCh37 (hg19) VCF-style: chr7-98546308-G-A.
Other names: c.4767G>A, p.Met1589Ile (NM_001244580.2); c.4713G>A, p.Met1571Ile (NM_003496.4); short protein forms M1571I, M1596I, M1589I.
Identifiers: ClinVar variation 2749495 (VCV002749495.3), dbSNP rs2484848056, ClinGen allele CA368312549.
Genomic context (GRCh38, chr7:98,948,685, plus strand): 5'-AGTGGAGCTGTTCATGATGGAAGCCACACTGAACGATCCCCAGTGGAGCAGAATGTTTAT[G>A]GTAAGAGCTGTGAGCAGCTGGAGTCAGGGGTCCCTTCAAATGCTTGTGAGCTGTCGTGCT-3'
Protein context (NP_001362453.1, residues 1586-1606): LNDPQWSRMF[Met1596Ile]SFLKHKDARP

ClinVar aggregate classification (germline): Uncertain significance (1 of 4 stars; one submission).

Submission:

Labcorp Genetics (formerly Invitae), Labcorp
Classification: Uncertain significance. Last evaluated: 2023-08-02. Review status: criteria provided, single submitter. Criteria: Invitae Variant Classification Sherloc (09022015). Collection method: clinical testing. Allele origin: germline.
Comment: In summary, the available evidence is currently insufficient to determine the role of this variant in disease. Therefore, it has been classified as a Variant of Uncertain Significance. Variants that disrupt the consensus splice site are a relatively common cause of aberrant splicing (PMID: 17576681, 9536098). Algorithms developed to predict the effect of sequence changes on RNA splicing suggest that this variant may create or strengthen a splice site. An algorithm developed to predict the effect of missense changes on protein structure and function (PolyPhen-2) suggests that this variant is likely to be tolerated. This variant has not been reported in the literature in individuals affected with TRRAP-related conditions. This variant is not present in population databases (gnomAD no frequency). This sequence change replaces methionine, which is neutral and non-polar, with isoleucine, which is neutral and non-polar, at codon 1571 of the TRRAP protein (p.Met1571Ile). This variant also falls at the last nucleotide of exon 33, which is part of the consensus splice site for this exon.

Literature cited by the submitters: PubMed 17576681; PubMed 9536098.